The following is an entry in ClinVar:

ClinVar aggregate classification (germline): Uncertain significance. Review status: criteria provided, multiple submitters, no conflicts (2 of 4 stars). 3 submissions from 3 submitters: Uncertain significance (3). Last evaluated 2024-11-25.

Conditions:
Hereditary cancer-predisposing syndrome. Also called: Hereditary Cancer Syndrome; Tumor predisposition; Hereditary neoplastic syndrome; Neoplastic Syndromes, Hereditary. Identifiers: Orphanet 140162, MedGen C0027672, MeSH D009386, MONDO:0015356.
Gorlin syndrome. Also called: Nevoid Basal Cell Carcinoma Syndrome; Basal cell nevus syndrome. Identifiers: Orphanet 377, MedGen C0004779, MONDO:0007187.

gnomAD v4.1: 2 of 1,614,086 alleles (0.00012%); highest among the groups gnomAD compares: Non-Finnish European, 0.00017%; no homozygotes.

Submissions (3):

Ambry Genetics
Classification: Uncertain significance for Hereditary cancer-predisposing syndrome. Last evaluated: 2024-11-25. Review status: criteria provided, single submitter. Criteria: Ambry Variant Classification Scheme 2023. Collection method: clinical testing. Allele origin: germline.
Comment: The p.P641L variant (also known as c.1922C>T), located in coding exon 14 of the PTCH1 gene, results from a C to T substitution at nucleotide position 1922. The proline at codon 641 is replaced by leucine, an amino acid with similar properties. This amino acid position is highly conserved in available vertebrate species. In addition, the in silico prediction for this alteration is inconclusive. Based on the available evidence, the clinical significance of this variant remains unclear.

GeneDx
Classification: Uncertain significance. Last evaluated: 2024-05-13. Review status: criteria provided, single submitter. Criteria: GeneDx Variant Classification Process June 2021. Collection method: clinical testing. Allele origin: germline. Affected: yes.
Comment: Not observed at significant frequency in large population cohorts (gnomAD); In silico analysis supports that this missense variant has a deleterious effect on protein structure/function; Has not been previously published as pathogenic or benign to our knowledge; This variant is associated with the following publications: (PMID: 11331587)

Labcorp Genetics (formerly Invitae), Labcorp
Classification: Uncertain significance for Gorlin syndrome. Last evaluated: 2024-03-16. Review status: criteria provided, single submitter. Criteria: Invitae Variant Classification Sherloc (09022015). Collection method: clinical testing. Allele origin: germline.
Comment: This sequence change replaces proline, which is neutral and non-polar, with leucine, which is neutral and non-polar, at codon 641 of the PTCH1 protein (p.Pro641Leu). This variant is not present in population databases (gnomAD no frequency). This variant has not been reported in the literature in individuals affected with PTCH1-related conditions. Advanced modeling of protein sequence and biophysical properties (such as structural, functional, and spatial information, amino acid conservation, physicochemical variation, residue mobility, and thermodynamic stability) performed at Invitae indicates that this missense variant is not expected to disrupt PTCH1 protein function with a negative predictive value of 95%. In summary, the available evidence is currently insufficient to determine the role of this variant in disease. Therefore, it has been classified as a Variant of Uncertain Significance.

NM_000264.5(PTCH1):c.1922C>T (p.Pro641Leu)

Genes: PTCH1 (patched 1; minus strand), LOC100507346 (uncharacterized LOC100507346; plus strand). Cytogenetic location: 9q22.32.
Variant type: single nucleotide variant.
Coding change: c.1922C>T on transcript NM_000264.5 (MANE Select); coding-DNA position 1922, C replaced by T.
Protein change: p.Pro641Leu; replaces proline 641 with leucine.
Molecular consequence: missense variant. On other transcripts: non-coding transcript variant (2).
Genome position (GRCh38, 1-based): chr9:95,469,079, G>A on the plus strand (C>T on the coding strand, the complement: PTCH1 is on the minus strand). VCF-style: chr9-95469079-G-A. GRCh37 (hg19) VCF-style: chr9-98231361-G-A.
Other names: c.1724C>T, p.Pro575Leu (NM_001083602.3); c.1919C>T, p.Pro640Leu (NM_001083603.3); c.1469C>T, p.Pro490Leu (NM_001083604.3, NM_001083605.3, NM_001083606.3 and 1 more transcripts); c.1766C>T, p.Pro589Leu (NM_001354918.2); short protein forms P490L, P575L, P589L, P640L, P641L.
Identifiers: ClinVar variation 3378363 (VCV003378363.4).
Genomic context (GRCh38, chr9:95,469,079, plus strand): 5'-GTGGACTGCATGGTAATCTGCGTTTCATGGGCAAAGCTGTGGCTGCTGTAGGGAGGTGGG[G>A]GGCTGTAGCGGGTATTGTCGTGTGTGTCGGTGTAGGCCTGAGGTTCAACCTGAATCACTC-3'
Protein context (NP_000255.2, residues 631-651): TDTHDNTRYS[Pro641Leu]PPPYSSHSFA